The following is an entry in ClinVar:

ClinVar aggregate classification (germline): Uncertain significance (1 of 4 stars; one submission).

Allele frequency attached by ClinVar (database versions not stated): TOPMed below 0.00001.
gnomAD v4.1: 1 of 1,614,178 alleles (0.000062%); highest among the groups gnomAD compares: African/African-American, 0.0013%; no homozygotes.

Submission:

Labcorp Genetics (formerly Invitae), Labcorp
Classification: Uncertain significance. Last evaluated: 2023-06-15. Review status: criteria provided, single submitter. Criteria: Invitae Variant Classification Sherloc (09022015). Collection method: clinical testing. Allele origin: germline.
Comment: This sequence change replaces cysteine, which is neutral and slightly polar, with phenylalanine, which is neutral and non-polar, at codon 142 of the ACOX2 protein (p.Cys142Phe). This variant is not present in population databases (gnomAD no frequency). In summary, the available evidence is currently insufficient to determine the role of this variant in disease. Therefore, it has been classified as a Variant of Uncertain Significance. Advanced modeling of protein sequence and biophysical properties (such as structural, functional, and spatial information, amino acid conservation, physicochemical variation, residue mobility, and thermodynamic stability) performed at Invitae indicates that this missense variant is not expected to disrupt ACOX2 protein function. This variant has not been reported in the literature in individuals affected with ACOX2-related conditions.

NM_003500.4(ACOX2):c.425G>T (p.Cys142Phe)

Gene: ACOX2 (acyl-CoA oxidase 2; minus strand). Cytogenetic location: 3p14.3.
Variant type: single nucleotide variant.
Coding change: c.425G>T on transcript NM_003500.4 (MANE Select); coding-DNA position 425, G replaced by T.
Protein change: p.Cys142Phe; replaces cysteine 142 with phenylalanine.
Molecular consequence: missense variant.
Genome position (GRCh38, 1-based): chr3:58,534,044, C>A on the plus strand (G>T on the coding strand, the complement: ACOX2 is on the minus strand). VCF-style: chr3-58534044-C-A. GRCh37 (hg19) VCF-style: chr3-58519771-C-A.
Other names: short protein forms C142F.
Identifiers: ClinVar variation 2970780 (VCV002970780.3), dbSNP rs771292905, ClinGen allele CA353372646.